The following is an entry in ClinVar:

ClinVar aggregate classification (germline): Conflicting classifications of pathogenicity. Review status: criteria provided, conflicting classifications (1 of 4 stars). 3 submissions from 3 submitters: Uncertain significance (2); Likely benign (1). Last evaluated 2024-11-04.

Conditions:
Inborn genetic diseases. Identifiers: MedGen C0950123, MeSH D030342.
Short stature-onychodysplasia-facial dysmorphism-hypotrichosis syndrome. Also called: Short stature, onychodysplasia, facial dysmorphism, and hypotrichosis; SOFT SYNDROME. Identifiers: Orphanet 314394, MedGen C3542022, MONDO:0013894, OMIM 614813.

Allele frequency attached by ClinVar (database versions not stated): gnomAD exomes below 0.00001 and 0.00002; TOPMed below 0.00001; gnomAD 0.00001; ExAC 0.00003.
gnomAD v4.1: 4 of 1,613,816 alleles (0.00025%); highest among the groups gnomAD compares: Admixed American, 0.0033%; no homozygotes.

Submissions (3):

Labcorp Genetics (formerly Invitae), Labcorp
Classification: Uncertain significance. Last evaluated: 2024-11-04. Review status: criteria provided, single submitter. Criteria: Invitae Variant Classification Sherloc (09022015). Collection method: clinical testing. Allele origin: germline.
Comment: This sequence change replaces arginine with tryptophan at codon 158 of the POC1A protein (p.Arg158Trp). The frequency data for this variant in the population databases is considered unreliable, as metrics indicate poor data quality at this position in the gnomAD database. This variant has not been reported in the literature in individuals affected with POC1A-related conditions. ClinVar contains an entry for this variant (Variation ID: 1511069). Invitae Evidence Modeling of protein sequence and biophysical properties (such as structural, functional, and spatial information, amino acid conservation, physicochemical variation, residue mobility, and thermodynamic stability) indicates that this missense variant is expected to disrupt POC1A protein function with a positive predictive value of 80%. In summary, the available evidence is currently insufficient to determine the role of this variant in disease. Therefore, it has been classified as a Variant of Uncertain Significance.

3billion
Classification: Likely benign for Short stature-onychodysplasia-facial dysmorphism-hypotrichosis syndrome. Last evaluated: 2024-09-20. Review status: criteria provided, single submitter. Criteria: ACMG Guidelines, 2015. Collection method: clinical testing. Allele origin: germline. Affected: no.
Comment: The homozygous variant was found in patients diagnosed with another variant in a different gene, with no symptoms related to the gene containing the homozygous variant.

Ambry Genetics
Classification: Uncertain significance for Inborn genetic diseases. Last evaluated: 2022-06-21. Review status: criteria provided, single submitter. Criteria: Ambry Variant Classification Scheme 2023. Collection method: clinical testing. Allele origin: germline.

NM_015426.5(POC1A):c.472C>T (p.Arg158Trp)

Gene: POC1A (POC1 centriolar protein A; minus strand). Cytogenetic location: 3p21.2.
Variant type: single nucleotide variant.
Coding change: c.472C>T on transcript NM_015426.5 (MANE Select); coding-DNA position 472, C replaced by T.
Protein change: p.Arg158Trp; replaces arginine 158 with tryptophan.
Molecular consequence: missense variant.
Genome position (GRCh38, 1-based): chr3:52,147,079, G>A on the plus strand (C>T on the coding strand, the complement: POC1A is on the minus strand). VCF-style: chr3-52147079-G-A. GRCh37 (hg19) VCF-style: chr3-52181095-G-A.
Other names: c.472C>T, p.Arg158Trp (NM_001161580.2); c.358C>T, p.Arg120Trp (NM_001161581.2); c.472C>T (NM_015426.4); short protein forms R158W, R120W.
Identifiers: ClinVar variation 1511069 (VCV001511069.7), dbSNP rs370528660, ClinGen allele CA2429612.